The following is an entry in ClinVar:

ClinVar aggregate classification (germline): Uncertain significance. Review status: criteria provided, multiple submitters, no conflicts (2 of 4 stars). 2 submissions from 2 submitters: Uncertain significance (2). Last evaluated 2023-10-27.

Conditions:
Inborn genetic diseases. Identifiers: MedGen C0950123, MeSH D030342.
Dyskeratosis congenita, autosomal recessive 5 (DKCB5). Identifiers: MedGen C3554656, MONDO:0014076, OMIM 615190.
Pulmonary fibrosis and/or bone marrow failure, Telomere-related, 3. Also called: PULMONARY FIBROSIS AND/OR BONE MARROW FAILURE SYNDROME, TELOMERE-RELATED, 3. Identifiers: Orphanet 2032, MedGen C4225346, MONDO:0014613, OMIM 616373.

Allele frequency attached by ClinVar (database versions not stated): TOPMed below 0.00001; gnomAD 0.00001; gnomAD exomes 0.00002; ExAC 0.00003.
gnomAD v4.1: 29 of 1,612,494 alleles (0.0018%); highest among the groups gnomAD compares: East Asian, 0.0045%; no homozygotes.

Submissions (2):

Ambry Genetics
Classification: Uncertain significance for Inborn genetic diseases. Last evaluated: 2023-10-27. Review status: criteria provided, single submitter. Criteria: Ambry Variant Classification Scheme 2023. Collection method: clinical testing. Allele origin: germline.

Labcorp Genetics (formerly Invitae), Labcorp
Classification: Uncertain significance for Dyskeratosis congenita, autosomal recessive 5; Pulmonary fibrosis and/or bone marrow failure, Telomere-related, 3. Last evaluated: 2022-06-17. Review status: criteria provided, single submitter. Criteria: Invitae Variant Classification Sherloc (09022015). Collection method: clinical testing. Allele origin: germline.
Comment: This sequence change replaces serine, which is neutral and polar, with leucine, which is neutral and non-polar, at codon 368 of the RTEL1 protein (p.Ser368Leu). This variant is present in population databases (rs765792997, gnomAD 0.005%). This variant has not been reported in the literature in individuals affected with RTEL1-related conditions. Algorithms developed to predict the effect of missense changes on protein structure and function (SIFT, PolyPhen-2, Align-GVGD) all suggest that this variant is likely to be tolerated. In summary, the available evidence is currently insufficient to determine the role of this variant in disease. Therefore, it has been classified as a Variant of Uncertain Significance.

NM_001283009.2(RTEL1):c.1103C>T (p.Ser368Leu)

Genes: RTEL1 (regulator of telomere elongation helicase 1; plus strand), RTEL1-TNFRSF6B (RTEL1-TNFRSF6B readthrough (NMD candidate); plus strand). Cytogenetic location: 20q13.33.
Variant type: single nucleotide variant.
Coding change: c.1103C>T on transcript NM_001283009.2 (MANE Select); coding-DNA position 1103, C replaced by T.
Protein change: p.Ser368Leu; replaces serine 368 with leucine.
Molecular consequence: missense variant. On other transcripts: non-coding transcript variant (1).
Genome position (GRCh38, 1-based): chr20:63,679,914, C>T. VCF-style: chr20-63679914-C-T. GRCh37 (hg19) VCF-style: chr20-62311267-C-T.
Other names: c.434C>T, p.Ser145Leu (NM_001283010.1); c.1103C>T, p.Ser368Leu (NM_016434.4); c.1175C>T, p.Ser392Leu (NM_032957.5); c.1175C>T (NM_032957.4); short protein forms S392L, S368L, S145L.
Identifiers: ClinVar variation 1444473 (VCV001444473.4), dbSNP rs765792997, ClinGen allele CA9964602.
Genomic context (GRCh38, chr20:63,679,914, plus strand): 5'-TCTTTGAGCTGTTTGCTGAAGCCCAGATCACGTTTCAGACCAAGGGCTGCATCCTGGACT[C>T]GCTGGACCAGATCATCCAGCACCTGGCAGGACGTGAGTGCTGGCACGGGGTCTTTGGTGC-3'
Protein context (NP_001269938.1, residues 358-378): TFQTKGCILD[Ser368Leu]LDQIIQHLAG